The following is an entry in ClinVar:

NM_002439.5(MSH3):c.1896+3_1896+6del

Gene: MSH3 (mutS homolog 3; plus strand). Cytogenetic location: 5q14.1.
Variant type: Microsatellite.
Coding change: c.1896+3_1896+6del on transcript NM_002439.5 (MANE Select); bases 3 to 6 of the intron after coding-DNA position 1896, 4 bases deleted (AAGT; older notation c.1896+3_1896+6delAAGT).
Molecular consequence: splice donor variant.
Genome position (GRCh38, 1-based): chr5:80,761,681-80,761,684, AAGT deleted; deleting any 4 consecutive bases within chr5:80,761,677-80,761,684 gives the same sequence; the c. name uses the placement nearest the transcript's 3' end. VCF-style (leftmost placement, unchanged base first): chr5-80761676-AAAGT-A. GRCh37 (hg19) VCF-style: chr5-80057495-AAAGT-A.
Identifiers: ClinVar variation 3628702 (VCV003628702.2).

ClinVar aggregate classification (germline): Uncertain significance (1 of 4 stars; one submission).

Submission:

Labcorp Genetics (formerly Invitae), Labcorp
Classification: Uncertain significance. Last evaluated: 2024-03-01. Review status: criteria provided, single submitter. Criteria: Invitae Variant Classification Sherloc (09022015). Collection method: clinical testing. Allele origin: germline.
Comment: This sequence change falls in intron 13 of the MSH3 gene. It does not directly change the encoded amino acid sequence of the MSH3 protein. It affects a nucleotide within the consensus splice site. This variant is not present in population databases (gnomAD no frequency). This variant has not been reported in the literature in individuals affected with MSH3-related conditions. Variants that disrupt the consensus splice site are a relatively common cause of aberrant splicing (PMID: 17576681, 9536098). Algorithms developed to predict the effect of sequence changes on RNA splicing suggest that this variant may disrupt the consensus splice site. In summary, the available evidence is currently insufficient to determine the role of this variant in disease. Therefore, it has been classified as a Variant of Uncertain Significance.

Literature cited by the submitters: PubMed 17576681; PubMed 9536098.